The following is an entry in ClinVar:

NM_001127222.2(CACNA1A):c.3017G>A (p.Arg1006Gln)

Gene: CACNA1A (calcium voltage-gated channel subunit alpha1 A; minus strand). Cytogenetic location: 19p13.13.
Variant type: single nucleotide variant.
Coding change: c.3017G>A on transcript NM_001127222.2 (MANE Select); coding-DNA position 3017, G replaced by A.
Protein change: p.Arg1006Gln; replaces arginine 1006 with glutamine.
Molecular consequence: missense variant.
Genome position (GRCh38, 1-based): chr19:13,298,616, C>T on the plus strand (G>A on the coding strand, the complement: CACNA1A is on the minus strand). VCF-style: chr19-13298616-C-T. GRCh37 (hg19) VCF-style: chr19-13409430-C-T.
Other names: c.3029G>A, p.Arg1010Gln (NM_000068.4, NM_023035.3); c.3020G>A, p.Arg1007Gln (NM_001127221.2, NM_001174080.2); short protein forms R1010Q, R1007Q, R1006Q.
Identifiers: ClinVar variation 838198 (VCV000838198.11), dbSNP rs1268938831, ClinGen allele CA404342241.

ClinVar aggregate classification (germline): Conflicting classifications of pathogenicity. Review status: criteria provided, conflicting classifications (1 of 4 stars). 2 submissions from 2 submitters: Uncertain significance (1); Likely benign (1). Last evaluated 2025-12-19.

Conditions:
Developmental and epileptic encephalopathy, 42 (DEE42A). Also called: Epileptic encephalopathy, early infantile, 42; DEVELOPMENTAL AND EPILEPTIC ENCEPHALOPATHY 42A; EPILEPTIC ENCEPHALOPATHY, EARLY INFANTILE, 42A. Identifiers: MedGen C4310716, MONDO:0014917, OMIM 617106.
Episodic ataxia type 2 (EA2). Also called: EPISODIC ATAXIA, NYSTAGMUS-ASSOCIATED; ACETAZOLAMIDE-RESPONSIVE HEREDITARY PAROXYSMAL CEREBELLAR ATAXIA; ATAXIA, EPISODIC, WITH NYSTAGMUS; ATAXIA, FAMILIAL PAROXYSMAL; CEREBELLAR ATAXIA, PAROXYSMAL, ACETAZOLAMIDE-RESPONSIVE; CEREBELLOPATHY, HEREDITARY PAROXYSMAL. Identifiers: Orphanet 97, MedGen C1720416, MONDO:0007163, OMIM 108500.

gnomAD v4.1: 7 of 1,535,642 alleles (0.00046%); highest among the groups gnomAD compares: Admixed American, 0.002%; no homozygotes.

Submissions (2):

Labcorp Genetics (formerly Invitae), Labcorp
Classification: Likely benign for Developmental and epileptic encephalopathy, 42; Episodic ataxia type 2. Last evaluated: 2025-12-19. Review status: criteria provided, single submitter. Criteria: Invitae Variant Classification Sherloc (09022015). Collection method: clinical testing. Allele origin: germline.

GeneDx
Classification: Uncertain significance. Last evaluated: 2022-10-27. Review status: criteria provided, single submitter. Criteria: GeneDx Variant Classification Process June 2021. Collection method: clinical testing. Allele origin: germline. Affected: yes.
Comment: Not observed at significant frequency in large population cohorts (gnomAD); In silico analysis supports that this missense variant has a deleterious effect on protein structure/function; Has not been previously published as pathogenic or benign to our knowledge